The following is an entry in ClinVar:

ClinVar aggregate classification (germline): Conflicting classifications of pathogenicity. Review status: criteria provided, conflicting classifications (1 of 4 stars). 2 submissions from 2 submitters: Uncertain significance (1); Likely benign (1). Last evaluated 2025-01-16.

Allele frequency attached by ClinVar (database versions not stated): ExAC 0.00003; ESP Exome Variant Server 0.00017.
gnomAD v4.1: 65 of 1,584,896 alleles (0.0041%); highest among the groups gnomAD compares: Middle Eastern, 0.099%; 7 homozygotes.

Submissions (2):

Ambry Genetics
Classification: Uncertain significance. Last evaluated: 2025-01-16. Review status: criteria provided, single submitter. Criteria: Ambry Variant Classification Scheme 2023. Collection method: clinical testing. Allele origin: germline.

CeGaT Center for Human Genetics Tuebingen
Classification: Likely benign. Last evaluated: 2023-07-01. Review status: criteria provided, single submitter. Criteria: CeGaT Center For Human Genetics Tuebingen Variant Classification Criteria Version 2. Collection method: clinical testing. Allele origin: germline. Affected: yes. Observed: 1 variant allele.
Comment: AHNAK2: BP4, BS2

NM_138420.4(AHNAK2):c.5154G>C (p.Gln1718His)

Gene: AHNAK2 (AHNAK nucleoprotein 2; minus strand). Cytogenetic location: 14q32.33.
Variant type: single nucleotide variant.
Coding change: c.5154G>C on transcript NM_138420.4 (MANE Select); coding-DNA position 5154, G replaced by C.
Protein change: p.Gln1718His; replaces glutamine 1718 with histidine.
Molecular consequence: missense variant.
Genome position (GRCh38, 1-based): chr14:104,950,297, C>G on the plus strand (G>C on the coding strand, the complement: AHNAK2 is on the minus strand). VCF-style: chr14-104950297-C-G. GRCh37 (hg19) VCF-style: chr14-105416634-C-G.
Other names: c.5154G>C (NM_138420.2); c.4854G>C, p.Gln1618His (NM_001350929.2); short protein forms Q1618H, Q1718H.
Identifiers: ClinVar variation 2644804 (VCV002644804.25), dbSNP rs374228427, ClinGen allele CA7381947.